The following is an entry in ClinVar:

NM_024577.4(SH3TC2):c.1894_1897delinsAAA (p.Glu632fs)

Gene: SH3TC2 (SH3 domain and tetratricopeptide repeats 2; minus strand). Cytogenetic location: 5q32.
Variant type: Indel.
Coding change: c.1894_1897delinsAAA on transcript NM_024577.4 (MANE Select); coding-DNA positions 1894 to 1897, GAGG replaced by AAA.
Protein change: p.Glu632fs; shifts the reading frame from glutamic acid 632.
Molecular consequence: frameshift variant.
Genome position (GRCh38, 1-based): chr5:149,027,835-149,027,838, CCTC replaced by TTT on the plus strand (GAGG replaced by AAA on the coding strand, the reverse complement: SH3TC2 is on the minus strand). VCF-style: chr5-149027835-CCTC-TTT. GRCh37 (hg19) VCF-style: chr5-148407398-CCTC-TTT.
Other names: c.1894_1897delGAGGinsAAA (NM_024577.3); short protein forms E632fs.
Identifiers: ClinVar variation 637411 (VCV000637411.3), dbSNP rs1580900758, ClinGen allele CA915942731.

ClinVar aggregate classification (germline): Pathogenic. Review status: criteria provided, single submitter (1 of 4 stars). 2 submissions from 2 submitters: Pathogenic (1). 1 of the submissions does not count toward it. Last evaluated 2023-10-10.

Conditions:
Charcot-Marie-Tooth disease. Also called: Charcot-Marie-Tooth Hereditary Neuropathy; Charcot-Marie-Tooth Neuropathy. Identifiers: Orphanet 166, MedGen C0007959, MONDO:0015626.
Charcot-Marie-Tooth disease type 4C (CMT4C). Also called: Charcot-Marie-Tooth Neuropathy Type 4C (CMT4C); SH3TC2-Related Hereditary Motor and Sensory Neuropathy; CHARCOT-MARIE-TOOTH DISEASE, DEMYELINATING, AUTOSOMAL RECESSIVE, TYPE 4C; CHARCOT-MARIE-TOOTH DISEASE, DEMYELINATING, TYPE 4C; CMT 4C. Identifiers: Orphanet 99949, MedGen C1866636, MONDO:0011113, OMIM 601596.

Submissions (2):

Institute of Human Genetics, University of Leipzig Medical Center
Classification: Pathogenic for Charcot-Marie-Tooth disease type 4C. Last evaluated: 2023-10-10. Review status: criteria provided, single submitter. Criteria: ACMG Guidelines, 2015. Collection method: clinical testing. Allele origin: inherited. Inheritance: Autosomal recessive inheritance. Affected: yes.
Comment: Criteria applied: PVS1,PM2_SUP,PM3_SUP

Inherited Neuropathy Consortium
Classification: Uncertain significance for Charcot-Marie-Tooth disease. Review status: no assertion criteria provided. Collection method: literature only. Allele origin: germline. Affected: yes. Not counted in ClinVar's aggregate classification.

Literature cited by the submitters: PubMed 21892769 (cited by Inherited Neuropathy Consortium).